The following is an entry in ClinVar:

ClinVar aggregate classification (germline): Uncertain significance (1 of 4 stars; one submission).

gnomAD v4.1: 1 of 1,614,006 alleles (0.000062%); highest among the groups gnomAD compares: South Asian, 0.0011%; no homozygotes.

Submission:

Labcorp Genetics (formerly Invitae), Labcorp
Classification: Uncertain significance. Last evaluated: 2024-07-08. Review status: criteria provided, single submitter. Criteria: Invitae Variant Classification Sherloc (09022015). Collection method: clinical testing. Allele origin: germline.
Comment: This sequence change falls in intron 63 of the CDH23 gene. It does not directly change the encoded amino acid sequence of the CDH23 protein. It affects a nucleotide within the consensus splice site. This variant is not present in population databases (gnomAD no frequency). This variant has not been reported in the literature in individuals affected with CDH23-related conditions. ClinVar contains an entry for this variant (Variation ID: 1434013). Variants that disrupt the consensus splice site are a relatively common cause of aberrant splicing (PMID: 17576681, 9536098). Algorithms developed to predict the effect of sequence changes on RNA splicing suggest that this variant is not likely to affect RNA splicing. In summary, the available evidence is currently insufficient to determine the role of this variant in disease. Therefore, it has been classified as a Variant of Uncertain Significance.

Literature cited by the submitters: PubMed 17576681; PubMed 9536098.

NM_022124.6(CDH23):c.9198+5C>G

Gene: CDH23 (cadherin related 23; plus strand). Cytogenetic location: 10q22.1.
Variant type: single nucleotide variant.
Coding change: c.9198+5C>G on transcript NM_022124.6 (MANE Select); 5 bases into the intron after coding-DNA position 9198, C replaced by G.
Molecular consequence: intron variant.
Genome position (GRCh38, 1-based): chr10:71,811,440, C>G. VCF-style: chr10-71811440-C-G. GRCh37 (hg19) VCF-style: chr10-73571197-C-G.
Other names: c.2478+5C>G (NM_001171933.1, NM_001171934.1).
Identifiers: ClinVar variation 1434013 (VCV001434013.6), dbSNP rs2133001701, ClinGen allele CA2573145313.